The following is an entry in ClinVar:

NM_006306.4(SMC1A):c.941C>T (p.Ala314Val)

Gene: SMC1A (structural maintenance of chromosomes 1A; minus strand). Cytogenetic location: Xp11.22.
Variant type: single nucleotide variant.
Coding change: c.941C>T on transcript NM_006306.4 (MANE Select); coding-DNA position 941, C replaced by T.
Protein change: p.Ala314Val; replaces alanine 314 with valine.
Molecular consequence: missense variant.
Genome position (GRCh38, 1-based): chrX:53,412,167, G>A on the plus strand (C>T on the coding strand, the complement: SMC1A is on the minus strand). VCF-style: chrX-53412167-G-A. GRCh37 (hg19) VCF-style: chrX-53439117-G-A.
Other names: c.875C>T, p.Ala292Val (NM_001281463.1); short protein forms A292V, A314V.
Identifiers: ClinVar variation 4537773 (VCV004537773.1).
Genomic context (GRCh38, chrX:53,412,167, plus strand): 5'-TCCATGTCACCTTTACGCTTCTTGTAGTGCTTCTGAGCATTCTGCAGAGACTTCTTGGCT[G>A]CTTCCAGCTTCTTGATTTTGTGGGAGGTGTTCTCCTTGGCTTTGATGTACTGAGGCCGCT-3'
Protein context (NP_006297.2, residues 304-324): NTSHKIKKLE[Ala314Val]AKKSLQNAQK

ClinVar aggregate classification (germline): Uncertain significance (1 of 4 stars; one submission).

Submission:

GeneDx
Classification: Uncertain significance. Last evaluated: 2025-06-12. Review status: criteria provided, single submitter. Criteria: GeneDx Variant Classification Process June 2021. Collection method: clinical testing. Allele origin: germline. Affected: yes.
Comment: Not observed at significant frequency in large population cohorts (gnomAD); Missense variants in this gene are a common cause of disease and they are underrepresented in the general population; In silico analysis suggests that this missense variant does not alter protein structure/function; Has not been previously published as pathogenic or benign to our knowledge